The following is an entry in ClinVar:

NM_000173.7(GP1BA):c.1725A>T (p.Thr575=)

Genes: GP1BA (glycoprotein Ib platelet subunit alpha; plus strand), LOC130060044 (ATAC-STARR-seq lymphoblastoid active region 11554; plus strand). Cytogenetic location: 17p13.2.
Variant type: single nucleotide variant.
Coding change: c.1725A>T on transcript NM_000173.7 (MANE Select); coding-DNA position 1725, A replaced by T.
Protein change: p.Thr575=; no amino-acid change (threonine 575 retained).
Molecular consequence: synonymous variant.
Genome position (GRCh38, 1-based): chr17:4,934,329, A>T. VCF-style: chr17-4934329-A-T. GRCh37 (hg19) VCF-style: chr17-4837624-A-T.
Identifiers: ClinVar variation 3052040 (VCV003052040.3), dbSNP rs778386714, ClinGen allele CA8315056.

ClinVar aggregate classification (germline): Likely benign. Review status: criteria provided, single submitter (1 of 4 stars). 2 submissions from 2 submitters: Likely benign (1). 1 of the submissions does not count toward it. Last evaluated 2023-09-22.

Conditions:
GP1BA-related disorder. Also called: GP1BA-related condition.

Allele frequency attached by ClinVar (database versions not stated): gnomAD 0.00001; TOPMed 0.00001.

Submissions (2):

Blueprint Genetics
Classification: Likely benign. Last evaluated: 2023-09-22. Review status: criteria provided, single submitter. Criteria: ACMG Guidelines, 2015. Collection method: clinical testing. Allele origin: germline.

PreventionGenetics, part of Exact Sciences
Classification: Likely benign for GP1BA-related condition. Last evaluated: 2023-01-08. Review status: no assertion criteria provided. Collection method: clinical testing. Allele origin: germline. Not counted in ClinVar's aggregate classification.
Comment: This variant is classified as likely benign based on ACMG/AMP sequence variant interpretation guidelines (Richards et al. 2015 PMID: 25741868, with internal and published modifications).